The following is an entry in ClinVar:

NM_001134363.3(RBM20):c.2200C>T (p.Arg734Trp)

Gene: RBM20 (RNA binding motif protein 20; plus strand). Cytogenetic location: 10q25.2.
Variant type: single nucleotide variant.
Coding change: c.2200C>T on transcript NM_001134363.3 (MANE Select); coding-DNA position 2200, C replaced by T.
Protein change: p.Arg734Trp; replaces arginine 734 with tryptophan.
Molecular consequence: missense variant.
Genome position (GRCh38, 1-based): chr10:110,812,597, C>T. VCF-style: chr10-110812597-C-T. GRCh37 (hg19) VCF-style: chr10-112572355-C-T.
Other names: c.2200C>T (LRG_382t1); short protein forms R734W.
Identifiers: ClinVar variation 298798 (VCV000298798.15), dbSNP rs199972578, ClinGen allele CA10634587.

ClinVar aggregate classification (germline): Conflicting classifications of pathogenicity. Review status: criteria provided, conflicting classifications (1 of 4 stars). 5 submissions from 5 submitters: Uncertain significance (4); Likely benign (1). Last evaluated 2026-02-04.

Conditions:
Dilated cardiomyopathy 1DD (CMD1DD). Identifiers: Orphanet 154, MedGen C2750995, MONDO:0013168, OMIM 613172.
Cardiovascular phenotype. Identifiers: MedGen CN230736.

Allele frequency attached by ClinVar (database versions not stated): gnomAD exomes 0.00002; TOPMed 0.00002; gnomAD 0.00003 and 0.00004.
gnomAD v4.1: 37 of 1,551,508 alleles (0.0024%); highest among the groups gnomAD compares: East Asian, 0.022%; no homozygotes.

Submissions (5):

Labcorp Genetics (formerly Invitae), Labcorp
Classification: Likely benign for Dilated cardiomyopathy 1DD. Last evaluated: 2026-02-04. Review status: criteria provided, single submitter. Criteria: Invitae Variant Classification Sherloc (09022015). Collection method: clinical testing. Allele origin: germline.

Ambry Genetics
Classification: Uncertain significance for Cardiovascular phenotype. Last evaluated: 2024-12-28. Review status: criteria provided, single submitter. Criteria: Ambry Variant Classification Scheme 2023. Collection method: clinical testing. Allele origin: germline.
Comment: The p.R734W variant (also known as c.2200C>T), located in coding exon 9 of the RBM20 gene, results from a C to T substitution at nucleotide position 2200. The arginine at codon 734 is replaced by tryptophan, an amino acid with dissimilar properties. This amino acid position is conserved. In addition, the in silico prediction for this alteration is inconclusive. Based on the available evidence, the clinical significance of this variant remains unclear.

Fulgent Genetics
Classification: Uncertain significance for Dilated cardiomyopathy 1DD. Last evaluated: 2021-11-01. Review status: criteria provided, single submitter. Criteria: ACMG Guidelines, 2015. Collection method: clinical testing. Allele origin: unknown.

GeneDx
Classification: Uncertain significance. Last evaluated: 2021-04-09. Review status: criteria provided, single submitter. Criteria: GeneDx Variant Classification Process June 2021. Collection method: clinical testing. Allele origin: germline. Affected: yes.
Comment: Has not been previously published as pathogenic or benign to our knowledge; Reported in ClinVar as a variant of uncertain significance (ClinVar Variant ID# 298798; Landrum et al., 2016); Not observed at a significant frequency in large population cohorts (Lek et al., 2016); In silico analysis supports that this missense variant has a deleterious effect on protein structure/function

Illumina Laboratory Services, Illumina
Classification: Uncertain significance for Dilated cardiomyopathy 1DD. Last evaluated: 2018-01-13. Review status: criteria provided, single submitter. Criteria: ICSL Variant Classification Criteria 13 December 2019. Collection method: clinical testing. Allele origin: germline.